The following is an entry in ClinVar:

ClinVar aggregate classification (germline): Likely pathogenic (1 of 4 stars; one submission).

Submission:

Greenwood Genetic Center Diagnostic Laboratories, Greenwood Genetic Center
Classification: Likely pathogenic. Last evaluated: 2020-11-30. Review status: criteria provided, single submitter. Criteria: ACMG Guidelines, 2015. Collection method: clinical testing. Allele origin: germline. Affected: yes.
Comment: PVS1, PM2

NM_032436.4(CHAMP1):c.1166C>G (p.Ser389Ter)

Gene: CHAMP1 (chromosome alignment maintaining phosphoprotein 1; plus strand). Cytogenetic location: 13q34.
Variant type: single nucleotide variant.
Coding change: c.1166C>G on transcript NM_032436.4 (MANE Select); coding-DNA position 1166, C replaced by G.
Protein change: p.Ser389Ter; replaces serine 389 with a stop codon.
Molecular consequence: nonsense.
Genome position (GRCh38, 1-based): chr13:114,325,008, C>G. VCF-style: chr13-114325008-C-G. GRCh37 (hg19) VCF-style: chr13-115090483-C-G.
Other names: c.1166C>G, p.Ser389Ter (NM_001164144.3, NM_001164145.3); short protein forms S389*.
Identifiers: ClinVar variation 1331531 (VCV001331531.4), dbSNP rs2139420368, ClinGen allele CA388847928.